The following is an entry in ClinVar:

ClinVar aggregate classification (germline): Uncertain significance. Review status: criteria provided, multiple submitters, no conflicts (2 of 4 stars). 2 submissions from 2 submitters: Uncertain significance (2). Last evaluated 2025-10-24.

Conditions:
Inborn genetic diseases. Identifiers: MedGen C0950123, MeSH D030342.

Allele frequency attached by ClinVar (database versions not stated): gnomAD exomes 0.00002; TOPMed 0.00001.
gnomAD v4.1: 29 of 1,613,646 alleles (0.0018%); highest among the groups gnomAD compares: Non-Finnish European, 0.0023%; no homozygotes.

Submissions (2):

Ambry Genetics
Classification: Uncertain significance for Inborn genetic diseases. Last evaluated: 2025-10-24. Review status: criteria provided, single submitter. Criteria: Ambry Variant Classification Scheme 2023. Collection method: clinical testing. Allele origin: germline.

GeneDx
Classification: Uncertain significance. Last evaluated: 2023-01-18. Review status: criteria provided, single submitter. Criteria: GeneDx Variant Classification Process June 2021. Collection method: clinical testing. Allele origin: germline. Affected: yes.
Comment: Not observed at significant frequency in large population cohorts (gnomAD); In silico analysis supports that this missense variant has a deleterious effect on protein structure/function; Has not been previously published as pathogenic or benign to our knowledge

NM_016955.4(SEPSECS):c.1300C>T (p.Leu434Phe)

Gene: SEPSECS (Sep (O-phosphoserine) tRNA:Sec (selenocysteine) tRNA synthase; minus strand). Cytogenetic location: 4p15.2.
Variant type: single nucleotide variant.
Coding change: c.1300C>T on transcript NM_016955.4 (MANE Select); coding-DNA position 1300, C replaced by T.
Protein change: p.Leu434Phe; replaces leucine 434 with phenylalanine.
Molecular consequence: missense variant.
Genome position (GRCh38, 1-based): chr4:25,124,137, G>A on the plus strand (C>T on the coding strand, the complement: SEPSECS is on the minus strand). VCF-style: chr4-25124137-G-A. GRCh37 (hg19) VCF-style: chr4-25125759-G-A.
Other names: c.1555C>T, p.Leu519Phe (NM_001410714.1); c.1300C>T, p.Leu434Phe (NM_153825.2); short protein forms L434F, L519F.
Identifiers: ClinVar variation 2574226 (VCV002574226.2), dbSNP rs1264230973, ClinGen allele CA356519342.